The following is an entry in ClinVar:

ClinVar aggregate classification (germline): Uncertain significance (1 of 4 stars; one submission).

gnomAD v4.1: 4 of 1,613,400 alleles (0.00025%); highest among the groups gnomAD compares: East Asian, 0.0022%; no homozygotes.

Submission:

Labcorp Genetics (formerly Invitae), Labcorp
Classification: Uncertain significance. Last evaluated: 2023-03-08. Review status: criteria provided, single submitter. Criteria: Invitae Variant Classification Sherloc (09022015). Collection method: clinical testing. Allele origin: germline.
Comment: In summary, the available evidence is currently insufficient to determine the role of this variant in disease. Therefore, it has been classified as a Variant of Uncertain Significance. Advanced modeling of protein sequence and biophysical properties (such as structural, functional, and spatial information, amino acid conservation, physicochemical variation, residue mobility, and thermodynamic stability) performed at Invitae indicates that this missense variant is not expected to disrupt NSD1 protein function. This variant has not been reported in the literature in individuals affected with NSD1-related conditions. This variant is not present in population databases (gnomAD no frequency). This sequence change replaces serine, which is neutral and polar, with phenylalanine, which is neutral and non-polar, at codon 277 of the NSD1 protein (p.Ser277Phe).

NM_022455.5(NSD1):c.830C>T (p.Ser277Phe)

Gene: NSD1 (nuclear receptor binding SET domain protein 1; plus strand). Cytogenetic location: 5q35.3.
Variant type: single nucleotide variant.
Coding change: c.830C>T on transcript NM_022455.5 (MANE Select); coding-DNA position 830, C replaced by T.
Protein change: p.Ser277Phe; replaces serine 277 with phenylalanine.
Molecular consequence: missense variant. On other transcripts: intron variant (8).
Genome position (GRCh38, 1-based): chr5:177,135,933, C>T. VCF-style: chr5-177135933-C-T. GRCh37 (hg19) VCF-style: chr5-176562934-C-T.
Other names: c.830C>T, p.Ser277Phe (NM_001409301.1, NM_001409302.1, NM_001409303.1); c.418-8C>T (NM_001409304.1); c.-36-8C>T (NM_001409305.1, NM_001409306.1, NM_001409308.1 and 4 more transcripts); short protein forms S277F.
Identifiers: ClinVar variation 3607230 (VCV003607230.2).